The following is an entry in ClinVar:

NM_001365999.1(SZT2):c.4069C>A (p.Pro1357Thr)

Gene: SZT2 (SZT2 subunit of KICSTOR complex; plus strand). Cytogenetic location: 1p34.2.
Variant type: single nucleotide variant.
Coding change: c.4069C>A on transcript NM_001365999.1 (MANE Select); coding-DNA position 4069, C replaced by A.
Protein change: p.Pro1357Thr; replaces proline 1357 with threonine.
Molecular consequence: missense variant.
Genome position (GRCh38, 1-based): chr1:43,428,389, C>A. VCF-style: chr1-43428389-C-A. GRCh37 (hg19) VCF-style: chr1-43894060-C-A.
Other names: c.3898C>A, p.Pro1300Thr (NM_015284.4); short protein forms P1300T, P1357T.
Identifiers: ClinVar variation 411924 (VCV000411924.9), dbSNP rs748826670, ClinGen allele CA809175.

ClinVar aggregate classification (germline): Uncertain significance (1 of 4 stars; one submission).

Submission:

Labcorp Genetics (formerly Invitae), Labcorp
Classification: Uncertain significance. Last evaluated: 2022-02-03. Review status: criteria provided, single submitter. Criteria: Invitae Variant Classification Sherloc (09022015). Collection method: clinical testing. Allele origin: germline.
Comment: In summary, the available evidence is currently insufficient to determine the role of this variant in disease. Therefore, it has been classified as a Variant of Uncertain Significance. Algorithms developed to predict the effect of missense changes on protein structure and function are either unavailable or do not agree on the potential impact of this missense change (SIFT: "Tolerated"; PolyPhen-2: "Probably Damaging"; Align-GVGD: "Class C0"). ClinVar contains an entry for this variant (Variation ID: 411924). This variant has not been reported in the literature in individuals affected with SZT2-related conditions. This variant is present in population databases (rs748826670, gnomAD 0.003%). This sequence change replaces proline, which is neutral and non-polar, with threonine, which is neutral and polar, at codon 1300 of the SZT2 protein (p.Pro1300Thr).